The following is an entry in ClinVar:

NM_176824.3(BBS7):c.1972G>A (p.Glu658Lys)

Gene: BBS7 (Bardet-Biedl syndrome 7; minus strand). Cytogenetic location: 4q27.
Variant type: single nucleotide variant.
Coding change: c.1972G>A on transcript NM_176824.3 (MANE Select); coding-DNA position 1972, G replaced by A.
Protein change: p.Glu658Lys; replaces glutamic acid 658 with lysine.
Molecular consequence: missense variant.
Genome position (GRCh38, 1-based): chr4:121,828,188, C>T on the plus strand (G>A on the coding strand, the complement: BBS7 is on the minus strand). VCF-style: chr4-121828188-C-T. GRCh37 (hg19) VCF-style: chr4-122749343-C-T.
Other names: c.1972G>A (NM_176824.2); c.1972G>A, p.Glu658Lys (NM_018190.4); short protein forms E658K.
Identifiers: ClinVar variation 1013678 (VCV001013678.6), dbSNP rs1044486579, ClinGen allele CA104752682.

ClinVar aggregate classification (germline): Uncertain significance. Review status: criteria provided, multiple submitters, no conflicts (2 of 4 stars). 3 submissions from 3 submitters: Uncertain significance (3). Last evaluated 2025-06-12.

Conditions:
Bardet-Biedl syndrome (BBS). Identifiers: Orphanet 110, MedGen C0752166, MONDO:0015229.
BBS7-related disorder. Also called: BBS7-related condition.
Bardet-Biedl syndrome 7 (BBS7). Identifiers: Orphanet 110, MedGen C1859565, MONDO:0014435, OMIM 615984.

Allele frequency attached by ClinVar (database versions not stated): gnomAD exomes below 0.00001; gnomAD 0.00001; TOPMed 0.00002.
gnomAD v4.1: 5 of 1,613,710 alleles (0.00031%); highest among the groups gnomAD compares: African/African-American, 0.0067%; no homozygotes.

Submissions (3):

PreventionGenetics, part of Exact Sciences
Classification: Uncertain significance for BBS7-related condition. Last evaluated: 2025-06-12. Review status: criteria provided, single submitter. Criteria: ACMG Guidelines, 2015. Collection method: clinical testing. Allele origin: germline.
Comment: The BBS7 c.1972G>A variant is predicted to result in the amino acid substitution p.Glu658Lys. To our knowledge, this variant has not been reported in the literature or in a large population database (gnomAD), indicating this variant is rare. At this time, the clinical significance of this variant is uncertain due to the absence of conclusive functional and genetic evidence.

Labcorp Genetics (formerly Invitae), Labcorp
Classification: Uncertain significance for Bardet-Biedl syndrome. Last evaluated: 2024-02-24. Review status: criteria provided, single submitter. Criteria: Invitae Variant Classification Sherloc (09022015). Collection method: clinical testing. Allele origin: germline.
Comment: This sequence change replaces glutamic acid, which is acidic and polar, with lysine, which is basic and polar, at codon 658 of the BBS7 protein (p.Glu658Lys). This variant is not present in population databases (gnomAD no frequency). This variant has not been reported in the literature in individuals affected with BBS7-related conditions. ClinVar contains an entry for this variant (Variation ID: 1013678). Advanced modeling of protein sequence and biophysical properties (such as structural, functional, and spatial information, amino acid conservation, physicochemical variation, residue mobility, and thermodynamic stability) performed at Invitae indicates that this missense variant is not expected to disrupt BBS7 protein function with a negative predictive value of 80%. In summary, the available evidence is currently insufficient to determine the role of this variant in disease. Therefore, it has been classified as a Variant of Uncertain Significance.

Fulgent Genetics
Classification: Uncertain significance for Bardet-Biedl syndrome 7. Last evaluated: 2021-12-16. Review status: criteria provided, single submitter. Criteria: ACMG Guidelines, 2015. Collection method: clinical testing. Allele origin: unknown.